The following is an entry in ClinVar:

NM_025136.4(OPA3):c.*80G>T

Genes: OPA3 (outer mitochondrial membrane lipid metabolism regulator OPA3; minus strand), OPA3-RTN2 (OPA3-RTN2 readthrough; minus strand). Cytogenetic location: 19q13.32.
Variant type: single nucleotide variant.
Coding change: c.*80G>T on transcript NM_025136.4 (MANE Select); 80 bases downstream of the stop codon, G replaced by T.
Molecular consequence: 3 prime UTR variant. On other transcripts: intron variant (1).
Genome position (GRCh38, 1-based): chr19:45,553,434, C>A on the plus strand (G>T on the coding strand, the complement: OPA3 is on the minus strand). VCF-style: chr19-45553434-C-A. GRCh37 (hg19) VCF-style: chr19-46056692-C-A.
Other names: c.143-23978G>T (NM_001017989.3).
Identifiers: ClinVar variation 329683 (VCV000329683.5), dbSNP rs540023428, ClinGen allele CA10652610.

ClinVar aggregate classification (germline): Conflicting classifications of pathogenicity. Review status: criteria provided, conflicting classifications (1 of 4 stars). 2 submissions from 1 submitter: Uncertain significance (1); Benign (1). Last evaluated 2018-01-13.

Conditions:
3-Methylglutaconic aciduria type 3 (MGCA3). Also called: OPA3, AUTOSOMAL RECESSIVE; OPTIC ATROPHY 3, AUTOSOMAL RECESSIVE; Costeff Syndrome; OPA3-Related 3-Methylglutaconic Aciduria. Identifiers: Orphanet 67047, MedGen C0574084, MONDO:0009787, OMIM 258501.
Optic atrophy 3 (OPA3). Also called: OPTIC ATROPHY 3, AUTOSOMAL DOMINANT; Optic atrophy, cataract, and neurologic disorder; Optic atrophy 3 with cataract. Identifiers: Orphanet 67036, MedGen C1833809, MONDO:0008133, OMIM 165300.

Allele frequency attached by ClinVar (database versions not stated): 1000 Genomes Project 0.00260; 1000 Genomes Project 30x 0.00265; gnomAD 0.00293 and 0.00315; TOPMed 0.00346.

Submissions (2):

Illumina Laboratory Services, Illumina
Classification: Benign for Optic atrophy 3. Last evaluated: 2018-01-13. Review status: criteria provided, single submitter. Criteria: ICSL Variant Classification Criteria 13 December 2019. Collection method: clinical testing. Allele origin: germline.
Comment: This variant was observed in the ICSL laboratory as part of a predisposition screen in an ostensibly healthy population. It had not been previously curated by ICSL or reported in the Human Gene Mutation Database (HGMD: prior to June 1st, 2018), and was therefore a candidate for classification through an automated scoring system. Utilizing variant allele frequency, disease prevalence and penetrance estimates, and inheritance mode, an automated score was calculated to assess if this variant is too frequent to cause the disease. Based on the score and internal cut-off values, a variant classified as benign is not then subjected to further curation. The score for this variant resulted in a classification of benign for this disease.

Illumina Laboratory Services, Illumina
Classification: Uncertain significance for 3-Methylglutaconic aciduria type 3. Last evaluated: 2018-01-13. Review status: criteria provided, single submitter. Criteria: ICSL Variant Classification Criteria 13 December 2019. Collection method: clinical testing. Allele origin: germline.